The following is an entry in ClinVar:

NM_138694.4(PKHD1):c.1835A>G (p.His612Arg)

Gene: PKHD1 (PKHD1 ciliary IPT domain containing fibrocystin/polyductin; minus strand). Cytogenetic location: 6p12.2.
Variant type: single nucleotide variant.
Coding change: c.1835A>G on transcript NM_138694.4 (MANE Select); coding-DNA position 1835, A replaced by G.
Protein change: p.His612Arg; replaces histidine 612 with arginine.
Molecular consequence: missense variant.
Genome position (GRCh38, 1-based): chr6:52,055,588, T>C on the plus strand (A>G on the coding strand, the complement: PKHD1 is on the minus strand). VCF-style: chr6-52055588-T-C. GRCh37 (hg19) VCF-style: chr6-51920386-T-C.
Other names: p.His612Arg; c.1835A>G, p.His612Arg (NM_170724.3); short protein forms H612R.
Identifiers: ClinVar variation 1343740 (VCV001343740.10), dbSNP rs369932370, ClinGen allele CA3853429.

ClinVar aggregate classification (germline): Uncertain significance. Review status: criteria provided, multiple submitters, no conflicts (2 of 4 stars). 7 submissions from 7 submitters: Uncertain significance (7). Last evaluated 2026-02-14.

Conditions:
PKHD1-related disorder. Also called: PKHD1-related condition.
Autosomal recessive polycystic kidney disease (ARPKD). Also called: AR polycystic kidney disease. Identifiers: Orphanet 731, Orphanet 8378, MedGen C0085548, MeSH D017044, MONDO:0009889.
Polycystic kidney disease 4 (PKD4). Also called: PKD3; Autosomal Recessive Polycystic Kidney Disease – PKHD1; POLYCYSTIC KIDNEY DISEASE 4 WITH OR WITHOUT POLYCYSTIC LIVER DISEASE; POLYCYSTIC KIDNEY AND HEPATIC DISEASE 1; POLYCYSTIC KIDNEY DISEASE, INFANTILE, TYPE I. Identifiers: MedGen C4540575, MONDO:0033004, OMIM 263200.

Allele frequency attached by ClinVar (database versions not stated): gnomAD exomes 0.00004 and 0.00027; gnomAD 0.00008 and 0.00009; TOPMed 0.00008; ExAC 0.00005; ESP Exome Variant Server 0.00008.
gnomAD v4.1: 391 of 1,613,828 alleles (0.024%); highest among the groups gnomAD compares: Non-Finnish European, 0.032%; no homozygotes.

Submissions (7):

GeneDx
Classification: Uncertain significance. Last evaluated: 2026-02-14. Review status: criteria provided, single submitter. Criteria: GeneDx Variant Classification Process June 2021. Collection method: clinical testing. Allele origin: germline.
Comment: Observed in a patient with focal segmental glomerulosclerosis in published literature (PMID: 31308072); In silico analysis supports that this missense variant has a deleterious effect on protein structure/function; Not observed at significant frequency in large population cohorts (gnomAD); This variant is associated with the following publications: (PMID: 30787879, 31308072)

Mayo Clinic Laboratories, Mayo Clinic
Classification: Uncertain significance. Last evaluated: 2025-07-30. Review status: criteria provided, single submitter. Criteria: ACMG Guidelines, 2015. Collection method: clinical testing. Allele origin: germline. Observed: 1 variant allele.
Comment: PM2_supporting

Fulgent Genetics
Classification: Uncertain significance for Polycystic kidney disease 4. Last evaluated: 2024-06-18. Review status: criteria provided, single submitter. Criteria: ACMG Guidelines, 2015. Collection method: clinical testing. Allele origin: germline.

PreventionGenetics, part of Exact Sciences
Classification: Uncertain significance for PKHD1-related condition. Last evaluated: 2022-10-04. Review status: criteria provided, single submitter. Criteria: ACMG Guidelines, 2015. Collection method: clinical testing. Allele origin: germline.
Comment: The PKHD1 c.1835A>G variant is predicted to result in the amino acid substitution p.His612Arg. This variant has been reported in an individual with focal and segmental glomerulosclerosis (FSGS) (Wang et al. 2019. Table S4, Family S103.PubMed ID: 31308072). This variant is reported in 0.015% of alleles in individuals of East Asian descent in gnomAD. At this time, the clinical significance of this variant is uncertain due to the absence of conclusive functional and genetic evidence.

Women's Health and Genetics/Laboratory Corporation of America, LabCorp
Classification: Uncertain significance. Last evaluated: 2022-02-19. Review status: criteria provided, single submitter. Criteria: LabCorp Variant Classification Summary - May 2015. Collection method: clinical testing. Allele origin: germline.
Comment: Variant summary: PKHD1 c.1835A>G (p.His612Arg) results in a non-conservative amino acid change in the encoded protein sequence. Three of five in-silico tools predict a benign effect of the variant on protein function. 4/4 computational tools predict no significant impact on normal splicing. However, these predictions have yet to be confirmed by functional studies. The variant allele was found at a frequency of 4.4e-05 in 251160 control chromosomes (gnomAD). This frequency is not higher than expected for a pathogenic variant in PKHD1 causing Polycystic Kidney And Hepatic Disease (4.4e-05 vs 0.0071), allowing no conclusion about variant significance. To our knowledge, no occurrence of c.1835A>G in individuals affected with Polycystic Kidney And Hepatic Disease and no experimental evidence demonstrating its impact on protein function have been reported. No clinical diagnostic laboratories have submitted clinical-significance assessments for this variant to ClinVar after 2014. Based on the evidence outlined above, the variant was classified as uncertain significance.

Labcorp Genetics (formerly Invitae), Labcorp
Classification: Uncertain significance for Autosomal recessive polycystic kidney disease. Last evaluated: 2021-11-01. Review status: criteria provided, single submitter. Criteria: Invitae Variant Classification Sherloc (09022015). Collection method: clinical testing. Allele origin: germline.
Comment: This sequence change replaces histidine, which is basic and polar, with arginine, which is basic and polar, at codon 612 of the PKHD1 protein (p.His612Arg). This variant is present in population databases (rs369932370, gnomAD 0.02%). This variant has not been reported in the literature in individuals affected with PKHD1-related conditions. Algorithms developed to predict the effect of missense changes on protein structure and function are either unavailable or do not agree on the potential impact of this missense change (SIFT: "Deleterious"; PolyPhen-2: "Benign"; Align-GVGD: "Class C0"). In summary, the available evidence is currently insufficient to determine the role of this variant in disease. Therefore, it has been classified as a Variant of Uncertain Significance.

Blueprint Genetics
Classification: Uncertain significance. Last evaluated: 2021-09-14. Review status: criteria provided, single submitter. Criteria: ACMG Guidelines, 2015. Collection method: clinical testing. Allele origin: germline.

Literature cited by the submitters: PubMed 31308072 (cited by Mayo Clinic Laboratories, Mayo Clinic); PubMed 30787879 (cited by Women's Health and Genetics/Laboratory Corporation of America, LabCorp).